The following is an entry in ClinVar:

NM_006531.5(IFT88):c.2242+7A>G

Gene: IFT88 (intraflagellar transport 88; plus strand). Cytogenetic location: 13q12.11.
Variant type: single nucleotide variant.
Coding change: c.2242+7A>G on transcript NM_006531.5 (MANE Select); 7 bases into the intron after coding-DNA position 2242, A replaced by G.
Molecular consequence: intron variant.
Genome position (GRCh38, 1-based): chr13:20,671,046, A>G. VCF-style: chr13-20671046-A-G. GRCh37 (hg19) VCF-style: chr13-21245185-A-G.
Other names: c.2269+7A>G (NM_175605.4, NM_001318493.2, NM_175605.5 and 3 more transcripts); c.2242+7A>G (NM_001353568.2, NM_001353572.2); c.2167+7A>G (NM_001353570.2, NM_001353576.2, NM_001353577.2 and 1 more transcripts); c.2140+7A>G (NM_001353571.2, NM_001353578.2); c.1609+7A>G (NM_001353579.2); c.*5+7A>G (NM_001353575.2); c.2185+7A>G (NM_001318491.2); c.2098+7A>G (NM_001353573.2); and 1 more.
Identifiers: ClinVar variation 2080336 (VCV002080336.5), dbSNP rs186240983, ClinGen allele CA6905712.

ClinVar aggregate classification (germline): Likely benign. Review status: criteria provided, multiple submitters, no conflicts (2 of 4 stars). 2 submissions from 2 submitters: Likely benign (2). Last evaluated 2025-09-08.

Conditions:
IFT88-related disorder. Also called: IFT88-related condition.

Allele frequency attached by ClinVar (database versions not stated): gnomAD exomes 0.00002; ExAC 0.00007; ESP Exome Variant Server 0.00015; 1000 Genomes Project 0.00020; gnomAD 0.00025; 1000 Genomes Project 30x 0.00031; TOPMed 0.00031.
gnomAD v4.1: 67 of 1,612,186 alleles (0.0042%); highest among the groups gnomAD compares: African/African-American, 0.08%; no homozygotes.

Submissions (2):

Labcorp Genetics (formerly Invitae), Labcorp
Classification: Likely benign. Last evaluated: 2025-09-08. Review status: criteria provided, single submitter. Criteria: Invitae Variant Classification Sherloc (09022015). Collection method: clinical testing. Allele origin: germline.

PreventionGenetics, part of Exact Sciences
Classification: Likely benign for IFT88-related condition. Last evaluated: 2025-03-19. Review status: criteria provided, single submitter. Criteria: ACMG Guidelines, 2015. Collection method: clinical testing. Allele origin: germline.
Comment: This variant is classified as likely benign based on ACMG/AMP sequence variant interpretation guidelines (Richards et al. 2015 PMID: 25741868, with internal and published modifications).